The following is an entry in ClinVar:

ClinVar aggregate classification (germline): Pathogenic (1 of 4 stars; one submission).

Conditions:
Marfan syndrome (MFS). Also called: FBN1-Related Marfan Syndrome; MARFAN SYNDROME, TYPE I; Marfan syndrome type 1; Marfan's syndrome; Marfan syndrome, classic. Identifiers: Orphanet 284963, Orphanet 558, MedGen C0024796, MONDO:0007947, OMIM 154700.
Familial thoracic aortic aneurysm and aortic dissection (TAAD). Also called: Thoracic aortic aneurysms and dissections. Identifiers: Orphanet 91387, MedGen C4707243, MONDO:0019625.

Submission:

Labcorp Genetics (formerly Invitae), Labcorp
Classification: Pathogenic for Marfan syndrome; Familial thoracic aortic aneurysm and aortic dissection. Last evaluated: 2025-10-05. Review status: criteria provided, single submitter. Criteria: Invitae Variant Classification Sherloc (09022015). Collection method: clinical testing. Allele origin: germline.
Comment: This sequence change creates a premature translational stop signal (p.Trp854delinsCys*) in the FBN1 gene. It is expected to result in an absent or disrupted protein product. Loss-of-function variants in FBN1 are known to be pathogenic (PMID: 17657824, 19293843). Information on the frequency of this variant in the gnomAD database is not available, as this variant may be reported differently in the database. This variant has not been reported in the literature in individuals affected with FBN1-related conditions. For these reasons, this variant has been classified as Pathogenic.

Literature cited by the submitters: PubMed 17657824; PubMed 19293843.

NM_000138.5(FBN1):c.2562_2563delinsTT (p.Trp854_Gln855delinsCysTer)

Gene: FBN1 (fibrillin 1; minus strand). Cytogenetic location: 15q21.1.
Variant type: Indel.
Coding change: c.2562_2563delinsTT on transcript NM_000138.5 (MANE Select); coding-DNA positions 2562 to 2563, GC replaced by TT.
Protein change: p.Trp854_Gln855delinsCysTer.
Molecular consequence: nonsense.
Genome position (GRCh38, 1-based): chr15:48,495,237-48,495,238, GC replaced by AA on the plus strand (GC replaced by TT on the coding strand, the reverse complement: FBN1 is on the minus strand). VCF-style: chr15-48495237-GC-AA. GRCh37 (hg19) VCF-style: chr15-48787434-GC-AA.
Other names: c.2562_2563delinsTT, p.Trp854_Gln855delinsCysTer (NM_001406716.1).
Identifiers: ClinVar variation 4786323 (VCV004786323.1).